The following is an entry in ClinVar:

ClinVar aggregate classification (germline): Likely pathogenic (1 of 4 stars; one submission).

Allele frequency attached by ClinVar (database versions not stated): gnomAD exomes below 0.00001.
gnomAD v4.1: 2 of 1,613,944 alleles (0.00012%); highest among the groups gnomAD compares: South Asian, 0.0022%; no homozygotes.

Submission:

Labcorp Genetics (formerly Invitae), Labcorp
Classification: Likely pathogenic. Last evaluated: 2024-04-17. Review status: criteria provided, single submitter. Criteria: Invitae Variant Classification Sherloc (09022015). Collection method: clinical testing. Allele origin: germline.
Comment: This sequence change affects a donor splice site in intron 4 of the POLE gene. It is expected to disrupt RNA splicing. Variants that disrupt the donor or acceptor splice site typically lead to a loss of protein function (PMID: 16199547), and loss-of-function variants in POLE are known to be pathogenic (PMID: 23230001, 25948378, 30503519). This variant is present in population databases (no rsID available, gnomAD 0.003%). This variant has not been reported in the literature in individuals affected with POLE-related conditions. ClinVar contains an entry for this variant (Variation ID: 1013810). Algorithms developed to predict the effect of sequence changes on RNA splicing suggest that this variant may disrupt the consensus splice site. In summary, the currently available evidence indicates that the variant is pathogenic, but additional data are needed to prove that conclusively. Therefore, this variant has been classified as Likely Pathogenic.

Literature cited by the submitters: PubMed 16199547; PubMed 23230001; PubMed 25948378; PubMed 30503519.

NM_006231.4(POLE):c.330+2T>A

Gene: POLE (DNA polymerase epsilon, catalytic subunit; minus strand). Cytogenetic location: 12q24.33.
Variant type: single nucleotide variant.
Coding change: c.330+2T>A on transcript NM_006231.4 (MANE Select); the canonical splice donor site of the intron after coding-DNA position 330, T replaced by A.
Molecular consequence: splice donor variant.
Genome position (GRCh38, 1-based): chr12:132,680,176, A>T on the plus strand (T>A on the coding strand, the complement: POLE is on the minus strand). VCF-style: chr12-132680176-A-T. GRCh37 (hg19) VCF-style: chr12-133256762-A-T.
Identifiers: ClinVar variation 1013810 (VCV001013810.9), dbSNP rs1425990651, ClinGen allele CA387368502.